The following is an entry in ClinVar:

NM_016333.4(SRRM2):c.2783_2784del (p.Arg928fs)

Gene: SRRM2 (serine/arginine repetitive matrix 2; plus strand). Cytogenetic location: 16p13.3.
Variant type: Deletion.
Coding change: c.2783_2784del on transcript NM_016333.4 (MANE Select); coding-DNA positions 2783 to 2784, 2 bases deleted (GA; older notation c.2783_2784delGA).
Protein change: p.Arg928fs; shifts the reading frame from arginine 928.
Molecular consequence: frameshift variant.
Genome position (GRCh38, 1-based): chr16:2,763,311-2,763,312, GA deleted; deleting any 2 consecutive bases within chr16:2,763,310-2,763,312 gives the same sequence; the c. name uses the placement nearest the transcript's 3' end. VCF-style (leftmost placement, unchanged base first): chr16-2763309-AAG-A. GRCh37 (hg19) VCF-style: chr16-2813310-AAG-A.
Other names: short protein forms R928fs.
Identifiers: ClinVar variation 2959342 (VCV002959342.3), dbSNP rs2505605915, ClinGen allele CA2740096862.

ClinVar aggregate classification (germline): Pathogenic (1 of 4 stars; one submission).

Submission:

Labcorp Genetics (formerly Invitae), Labcorp
Classification: Pathogenic. Last evaluated: 2022-12-28. Review status: criteria provided, single submitter. Criteria: Invitae Variant Classification Sherloc (09022015). Collection method: clinical testing. Allele origin: germline.
Comment: For these reasons, this variant has been classified as Pathogenic. This variant has not been reported in the literature in individuals affected with SRRM2-related conditions. This variant is not present in population databases (gnomAD no frequency). This sequence change creates a premature translational stop signal (p.Arg928Lysfs*11) in the SRRM2 gene. It is expected to result in an absent or disrupted protein product. Loss-of-function variants in SRRM2 are known to be pathogenic (PMID: 35567594).

Literature cited by the submitters: PubMed 35567594.